The following is an entry in ClinVar:

ClinVar aggregate classification (germline): Uncertain significance. Review status: criteria provided, multiple submitters, no conflicts (2 of 4 stars). 2 submissions from 2 submitters: Uncertain significance (2). Last evaluated 2022-03-23.

Conditions:
Inborn genetic diseases. Identifiers: MedGen C0950123, MeSH D030342.

Allele frequency attached by ClinVar (database versions not stated): ExAC 0.00002; gnomAD exomes 0.00004 and 0.00010; gnomAD 0.00011 and 0.00013; TOPMed 0.00023.
gnomAD v4.1: 82 of 1,614,102 alleles (0.0051%); highest among the groups gnomAD compares: Admixed American, 0.055%; no homozygotes.

Submissions (2):

Ambry Genetics
Classification: Uncertain significance for Inborn genetic diseases. Last evaluated: 2022-03-23. Review status: criteria provided, single submitter. Criteria: Ambry Variant Classification Scheme 2023. Collection method: clinical testing. Allele origin: germline.

Labcorp Genetics (formerly Invitae), Labcorp
Classification: Uncertain significance. Last evaluated: 2021-09-01. Review status: criteria provided, single submitter. Criteria: Invitae Variant Classification Sherloc (09022015). Collection method: clinical testing. Allele origin: germline.
Comment: This sequence change replaces valine with leucine at codon 72 of the SFRP4 protein (p.Val72Leu). The valine residue is moderately conserved and there is a small physicochemical difference between valine and leucine. This variant is present in population databases (rs770542595, ExAC 0.009%). This variant has not been reported in the literature in individuals affected with SFRP4-related conditions. Algorithms developed to predict the effect of missense changes on protein structure and function are either unavailable or do not agree on the potential impact of this missense change (SIFT: "Tolerated"; PolyPhen-2: "Probably Damaging"; Align-GVGD: "Class C0"). In summary, the available evidence is currently insufficient to determine the role of this variant in disease. Therefore, it has been classified as a Variant of Uncertain Significance.

NM_003014.4(SFRP4):c.214G>T (p.Val72Leu)

Gene: SFRP4 (secreted frizzled related protein 4; minus strand). Cytogenetic location: 7p14.1.
Variant type: single nucleotide variant.
Coding change: c.214G>T on transcript NM_003014.4 (MANE Select); coding-DNA position 214, G replaced by T.
Protein change: p.Val72Leu; replaces valine 72 with leucine.
Molecular consequence: missense variant.
Genome position (GRCh38, 1-based): chr7:37,916,324, C>A on the plus strand (G>T on the coding strand, the complement: SFRP4 is on the minus strand). VCF-style: chr7-37916324-C-A. GRCh37 (hg19) VCF-style: chr7-37955926-C-A.
Other names: c.214G>T (NM_003014.3); short protein forms V72L.
Identifiers: ClinVar variation 1439109 (VCV001439109.6), dbSNP rs770542595, ClinGen allele CA4222923.